The following is an entry in ClinVar:

NM_005070.4(SLC4A3):c.3537C>T (p.Leu1179=)

Gene: SLC4A3 (solute carrier family 4 member 3; plus strand). Cytogenetic location: 2q35.
Variant type: single nucleotide variant.
Coding change: c.3537C>T on transcript NM_005070.4 (MANE Select); coding-DNA position 3537, C replaced by T.
Protein change: p.Leu1179=; no amino-acid change (leucine 1179 retained).
Molecular consequence: synonymous variant. On other transcripts: non-coding transcript variant (1).
Genome position (GRCh38, 1-based): chr2:219,640,878, C>T. VCF-style: chr2-219640878-C-T. GRCh37 (hg19) VCF-style: chr2-220505600-C-T.
Other names: p.Leu1206=; c.3618C>T, p.Leu1206= (NM_001326559.2, NM_201574.3).
Identifiers: ClinVar variation 2603455 (VCV002603455.3), dbSNP rs143904435, ClinGen allele CA2134539.

ClinVar aggregate classification (germline): Likely benign. Review status: criteria provided, multiple submitters, no conflicts (2 of 4 stars). 2 submissions from 2 submitters: Likely benign (2). Last evaluated 2025-08-27.

Conditions:
Inborn genetic diseases. Identifiers: MedGen C0950123, MeSH D030342.

Allele frequency attached by ClinVar (database versions not stated): ExAC 0.00018; gnomAD 0.00021; TOPMed 0.00026; ESP Exome Variant Server 0.00023; 1000 Genomes Project 0.00080; gnomAD exomes 0.00007; 1000 Genomes Project 30x 0.00078.
gnomAD v4.1: 160 of 1,612,082 alleles (0.0099%); highest among the groups gnomAD compares: East Asian, 0.08%; no homozygotes.

Submissions (2):

Mayo Clinic Laboratories, Mayo Clinic
Classification: Likely benign. Last evaluated: 2025-08-27. Review status: criteria provided, single submitter. Criteria: ACMG Guidelines, 2015. Collection method: clinical testing. Allele origin: germline. Observed: 2 variant alleles.
Comment: BP4, BP7

Ambry Genetics
Classification: Likely benign for Inborn genetic diseases. Last evaluated: 2023-08-04. Review status: criteria provided, single submitter. Criteria: Ambry Variant Classification Scheme 2023. Collection method: clinical testing. Allele origin: germline.